The following is an entry in ClinVar:

NM_000038.6(APC):c.6908G>C (p.Gly2303Ala)

Gene: APC (APC regulator of Wnt signaling pathway; plus strand). Cytogenetic location: 5q22.2.
Variant type: single nucleotide variant.
Coding change: c.6908G>C on transcript NM_000038.6 (MANE Select); coding-DNA position 6908, G replaced by C.
Protein change: p.Gly2303Ala; replaces glycine 2303 with alanine.
Molecular consequence: missense variant. On other transcripts: non-coding transcript variant (2).
Genome position (GRCh38, 1-based): chr5:112,842,502, G>C. VCF-style: chr5-112842502-G-C. GRCh37 (hg19) VCF-style: chr5-112178199-G-C.
Other names: c.6908G>C (NM_000038.5); c.6908G>C, p.Gly2303Ala (NM_001127510.3, NM_001354895.2, NM_001407450.1); c.6854G>C, p.Gly2285Ala (NM_001127511.3); c.6962G>C, p.Gly2321Ala (NM_001354896.2, NM_001407447.1, NM_001407448.1 and 1 more transcripts); c.6938G>C, p.Gly2313Ala (NM_001354897.2); c.6833G>C, p.Gly2278Ala (NM_001354898.2); c.6824G>C, p.Gly2275Ala (NM_001354899.2); c.6785G>C, p.Gly2262Ala (NM_001354900.2); and 12 more; short protein forms G2174A, G2262A, G2278A, G2303A, G2202A, G2220A, G2275A, G2296A.
Identifiers: ClinVar variation 2700137 (VCV002700137.5), dbSNP rs2149976030, ClinGen allele CA16036402.

ClinVar aggregate classification (germline): Uncertain significance. Review status: criteria provided, multiple submitters, no conflicts (2 of 4 stars). 3 submissions from 3 submitters: Uncertain significance (3). Last evaluated 2024-11-24.

Conditions:
Familial adenomatous polyposis 1 (FAP1). Also called: FAMILIAL ADENOMATOUS POLYPOSIS 1, ATTENUATED; POLYPOSIS, ADENOMATOUS INTESTINAL. Identifiers: MedGen C2713442, MONDO:0021056, OMIM 175100. Disease mechanism: loss of function.
Hereditary cancer-predisposing syndrome. Also called: Neoplastic Syndromes, Hereditary; Tumor predisposition; Hereditary neoplastic syndrome; Hereditary Cancer Syndrome. Identifiers: Orphanet 140162, MedGen C0027672, MeSH D009386, MONDO:0015356.

Submissions (3):

GeneDx
Classification: Uncertain significance. Last evaluated: 2024-11-24. Review status: criteria provided, single submitter. Criteria: GeneDx Variant Classification Process June 2021. Collection method: clinical testing. Allele origin: germline. Affected: yes.
Comment: Not observed at significant frequency in large population cohorts (gnomAD); In silico analysis indicates that this missense variant does not alter protein structure/function; Has not been previously published as pathogenic or benign to our knowledge; This variant is associated with the following publications: (PMID: 18199528)

Labcorp Genetics (formerly Invitae), Labcorp
Classification: Uncertain significance for Familial adenomatous polyposis 1. Last evaluated: 2024-01-10. Review status: criteria provided, single submitter. Criteria: Invitae Variant Classification Sherloc (09022015). Collection method: clinical testing. Allele origin: germline.
Comment: This sequence change replaces glycine, which is neutral and non-polar, with alanine, which is neutral and non-polar, at codon 2303 of the APC protein (p.Gly2303Ala). This variant is not present in population databases (gnomAD no frequency). This variant has not been reported in the literature in individuals affected with APC-related conditions. Advanced modeling of protein sequence and biophysical properties (such as structural, functional, and spatial information, amino acid conservation, physicochemical variation, residue mobility, and thermodynamic stability) performed at Invitae indicates that this missense variant is not expected to disrupt APC protein function with a negative predictive value of 95%. In summary, the available evidence is currently insufficient to determine the role of this variant in disease. Therefore, it has been classified as a Variant of Uncertain Significance.

Ambry Genetics
Classification: Uncertain significance for Hereditary cancer-predisposing syndrome. Last evaluated: 2023-01-05. Review status: criteria provided, single submitter. Criteria: Ambry Variant Classification Scheme 2023. Collection method: clinical testing. Allele origin: germline.
Comment: The p.G2303A variant (also known as c.6908G>C), located in coding exon 15 of the APC gene, results from a G to C substitution at nucleotide position 6908. The glycine at codon 2303 is replaced by alanine, an amino acid with similar properties. This amino acid position is conserved. In addition, in silico predictors for this gene do not accurately predict pathogenicity. Since supporting evidence is limited at this time, the clinical significance of this alteration remains unclear.